The following is an entry in ClinVar:

ClinVar aggregate classification (germline): Benign/Likely benign. Review status: criteria provided, multiple submitters, no conflicts (2 of 4 stars). 3 submissions from 3 submitters: Benign (1); Likely benign (2). Last evaluated 2026-01-12.

Conditions:
Alzheimer disease. Also called: Presenile and senile dementia; Alzheimer's disease. Identifiers: Orphanet 1020, MedGen C0002395, MeSH D000544, MONDO:0004975, HP:0002511.

Allele frequency attached by ClinVar (database versions not stated): ESP Exome Variant Server 0.00008; gnomAD 0.00011 and 0.00012; TOPMed 0.00011; gnomAD exomes 0.00012 and 0.00017; ExAC 0.00020; 1000 Genomes Project 0.00040; 1000 Genomes Project 30x 0.00047.
gnomAD v4.1: 189 of 1,613,834 alleles (0.012%); highest among the groups gnomAD compares: East Asian, 0.11%; no homozygotes.

Submissions (3):

Labcorp Genetics (formerly Invitae), Labcorp
Classification: Benign for Alzheimer disease. Last evaluated: 2026-01-12. Review status: criteria provided, single submitter. Criteria: Invitae Variant Classification Sherloc (09022015). Collection method: clinical testing. Allele origin: germline.

Women's Health and Genetics/Laboratory Corporation of America, LabCorp
Classification: Likely benign. Last evaluated: 2023-11-28. Review status: criteria provided, single submitter. Criteria: LabCorp Variant Classification Summary - May 2015. Collection method: clinical testing. Allele origin: germline.
Comment: Variant summary: APP c.225+14G>A alters a non-conserved nucleotide located at a position not widely known to affect splicing. Consensus agreement among computation tools predict no significant impact on normal splicing. However, these predictions have yet to be confirmed by functional studies. The variant allele was found at a frequency of 0.00019 in 282840 control chromosomes. To our knowledge, no occurrence of c.225+14G>A in individuals affected with Alzheimer Disease and no experimental evidence demonstrating its impact on protein function have been reported. Two submitters have cited clinical-significance assessments for this variant to ClinVar after 2014, classifying the variant as benign (n=1) or likely benign (n=1). Based on the evidence outlined above, the variant was classified as likely benign.

Illumina Laboratory Services, Illumina
Classification: Likely benign for Alzheimer disease type 1. Last evaluated: 2018-01-12. Review status: criteria provided, single submitter. Criteria: ICSL Variant Classification Criteria 13 December 2019. Collection method: clinical testing. Allele origin: germline.
Comment: This variant was observed in the ICSL laboratory as part of a predisposition screen in an ostensibly healthy population. It had not been previously curated by ICSL or reported in the Human Gene Mutation Database (HGMD: prior to June 1st, 2018), and was therefore a candidate for classification through an automated scoring system. Utilizing variant allele frequency, disease prevalence and penetrance estimates, and inheritance mode, an automated score was calculated to assess if this variant is too frequent to cause the disease. Based on the score and internal cut-off values, a variant classified as likely benign is not then subjected to further curation. The score for this variant resulted in a classification of likely benign for this disease.

NM_000484.4(APP):c.225+14G>A

Gene: APP (amyloid beta precursor protein; minus strand). Cytogenetic location: 21q21.3.
Variant type: single nucleotide variant.
Coding change: c.225+14G>A on transcript NM_000484.4 (MANE Select); 14 bases into the intron after coding-DNA position 225, G replaced by A.
Molecular consequence: intron variant.
Genome position (GRCh38, 1-based): chr21:26,111,965, C>T on the plus strand (G>A on the coding strand, the complement: APP is on the minus strand). VCF-style: chr21-26111965-C-T. GRCh37 (hg19) VCF-style: chr21-27484282-C-T.
Other names: c.120+14G>A (NM_001136131.3); c.58-21893G>A (NM_001136129.3, NM_001136130.3); c.225+14G>A (NM_001204303.2, NM_201414.3, NM_001385253.1 and 3 more transcripts); c.210+14G>A (NM_001136016.3).
Identifiers: ClinVar variation 339649 (VCV000339649.10), dbSNP rs199644062, ClinGen allele CA9987731.